The following is an entry in ClinVar:

NM_002972.4(SBF1):c.1416G>A (p.Glu472=)

Gene: SBF1 (SET binding factor 1; minus strand). Cytogenetic location: 22q13.33.
Variant type: single nucleotide variant.
Coding change: c.1416G>A on transcript NM_002972.4 (MANE Select); coding-DNA position 1416, G replaced by A.
Protein change: p.Glu472=; no amino-acid change (glutamic acid 472 retained).
Molecular consequence: synonymous variant.
Genome position (GRCh38, 1-based): chr22:50,464,834, C>T on the plus strand (G>A on the coding strand, the complement: SBF1 is on the minus strand). VCF-style: chr22-50464834-C-T. GRCh37 (hg19) VCF-style: chr22-50903263-C-T.
Other names: p.Glu472=; c.1419G>A, p.Glu473= (NM_001365819.1); c.1416G>A (NM_002972.3).
Identifiers: ClinVar variation 1546403 (VCV001546403.11), dbSNP rs368064361, ClinGen allele CA10317684.

ClinVar aggregate classification (germline): Likely benign. Review status: criteria provided, multiple submitters, no conflicts (2 of 4 stars). 3 submissions from 3 submitters: Likely benign (2). 1 of the submissions does not count toward it. Last evaluated 2025-09-30.

Conditions:
SBF1-related disorder. Also called: SBF1-related condition.

Allele frequency attached by ClinVar (database versions not stated): ExAC 0.00001; gnomAD 0.00002 and 0.00003; gnomAD exomes 0.00002; TOPMed 0.00002; ESP Exome Variant Server 0.00008.
gnomAD v4.1: 32 of 1,613,542 alleles (0.002%); highest among the groups gnomAD compares: Non-Finnish European, 0.0026%; no homozygotes.

Submissions (3):

Labcorp Genetics (formerly Invitae), Labcorp
Classification: Likely benign. Last evaluated: 2025-09-30. Review status: criteria provided, single submitter. Criteria: Invitae Variant Classification Sherloc (09022015). Collection method: clinical testing. Allele origin: germline.

Mayo Clinic Laboratories, Mayo Clinic
Classification: Likely benign. Last evaluated: 2025-05-19. Review status: criteria provided, single submitter. Criteria: ACMG Guidelines, 2015. Collection method: clinical testing. Allele origin: germline. Observed: 1 variant allele.
Comment: BP4, BP7

PreventionGenetics, part of Exact Sciences
Classification: Likely benign for SBF1-related condition. Last evaluated: 2019-03-21. Review status: no assertion criteria provided. Collection method: clinical testing. Allele origin: germline. Not counted in ClinVar's aggregate classification.
Comment: This variant is classified as likely benign based on ACMG/AMP sequence variant interpretation guidelines (Richards et al. 2015 PMID: 25741868, with internal and published modifications).